The following is an entry in ClinVar:

NM_170707.4(LMNA):c.*707A>G

Gene: LMNA (lamin A/C; plus strand). Cytogenetic location: 1q22.
Variant type: single nucleotide variant.
Coding change: c.*707A>G on transcript NM_170707.4 (MANE Select); 707 bases downstream of the stop codon, A replaced by G.
Molecular consequence: 3 prime UTR variant. On other transcripts: missense variant (1).
Genome position (GRCh38, 1-based): chr1:156,139,813, A>G. VCF-style: chr1-156139813-A-G. GRCh37 (hg19) VCF-style: chr1-156109604-A-G.
Other names: c.1699A>G, p.Lys567Glu (NM_001257374.3); c.*707A>G (NM_001282626.2, NM_170708.4); short protein forms K567E.
Identifiers: ClinVar variation 424066 (VCV000424066.1), dbSNP rs1038556505, ClinGen allele CA16617004.

ClinVar aggregate classification (germline): Uncertain significance (1 of 4 stars; one submission).

Allele frequency attached by ClinVar (database versions not stated): gnomAD 0.00001; gnomAD exomes 0.00001; TOPMed 0.00002.
gnomAD v4.1: 4 of 1,531,210 alleles (0.00026%); highest among the groups gnomAD compares: Non-Finnish European, 0.00035%; no homozygotes.

Submission:

GeneDx
Classification: Uncertain significance. Last evaluated: 2017-03-02. Review status: criteria provided, single submitter. Criteria: GeneDx Variant Classification (06012015). Collection method: clinical testing. Allele origin: germline. Affected: yes.
Comment: The K567E variant in the LMNA gene has not been reported previously as a pathogenic variant, nor as a benign variant, to our knowledge. Adequate data is not available in large population cohorts to assess the frequency of this variant in publicly available databases; however, this variant has not been detected in presumably healthy individuals tested at GeneDx. The K567E variant is a non-conservative amino acid substitution, which is likely to impact secondary protein structure as these residues differ in polarity, charge, size and/or other properties. This substitution occurs at a position that is not conserved. In silico analysis is inconsistent in its predictions as to whether or not the variant is damaging to the protein structure/function. We interpret K567E as a variant of uncertain significance,